The following is an entry in ClinVar:

ClinVar aggregate classification (germline): Uncertain significance (1 of 4 stars; one submission).

Submission:

Labcorp Genetics (formerly Invitae), Labcorp
Classification: Uncertain significance. Last evaluated: 2022-02-02. Review status: criteria provided, single submitter. Criteria: Invitae Variant Classification Sherloc (09022015). Collection method: clinical testing. Allele origin: germline.
Comment: In summary, the available evidence is currently insufficient to determine the role of this variant in disease. Therefore, it has been classified as a Variant of Uncertain Significance. Algorithms developed to predict the effect of missense changes on protein structure and function (SIFT, PolyPhen-2, Align-GVGD) all suggest that this variant is likely to be disruptive. This variant has not been reported in the literature in individuals affected with LRP6-related conditions. This variant is not present in population databases (gnomAD no frequency). This sequence change replaces isoleucine, which is neutral and non-polar, with threonine, which is neutral and polar, at codon 855 of the LRP6 protein (p.Ile855Thr).

NM_002336.3(LRP6):c.2564T>C (p.Ile855Thr)

Gene: LRP6 (LDL receptor related protein 6; minus strand). Cytogenetic location: 12p13.2.
Variant type: single nucleotide variant.
Coding change: c.2564T>C on transcript NM_002336.3 (MANE Select); coding-DNA position 2564, T replaced by C.
Protein change: p.Ile855Thr; replaces isoleucine 855 with threonine.
Molecular consequence: missense variant.
Genome position (GRCh38, 1-based): chr12:12,159,056, A>G on the plus strand (T>C on the coding strand, the complement: LRP6 is on the minus strand). VCF-style: chr12-12159056-A-G. GRCh37 (hg19) VCF-style: chr12-12311990-A-G.
Other names: c.2564T>C, p.Ile855Thr (NM_001414244.1, NM_001414245.1, NM_001414246.1 and 4 more transcripts); c.2366T>C, p.Ile789Thr (NM_001414247.1); c.2111T>C, p.Ile704Thr (NM_001414252.1, NM_001414253.1, NM_001414254.1); c.2057T>C, p.Ile686Thr (NM_001414255.1); short protein forms I686T, I704T, I789T, I855T.
Identifiers: ClinVar variation 2092112 (VCV002092112.4), dbSNP rs2498826610, ClinGen allele CA383944145.